The following is an entry in ClinVar:

NM_002354.3(EPCAM):c.915G>T (p.Met305Ile)

Gene: EPCAM (epithelial cell adhesion molecule; plus strand). Cytogenetic location: 2p21.
Variant type: single nucleotide variant.
Coding change: c.915G>T on transcript NM_002354.3 (MANE Select); coding-DNA position 915, G replaced by T.
Protein change: p.Met305Ile; replaces methionine 305 with isoleucine.
Molecular consequence: missense variant.
Genome position (GRCh38, 1-based): chr2:47,386,583, G>T. VCF-style: chr2-47386583-G-T. GRCh37 (hg19) VCF-style: chr2-47613722-G-T.
Other names: short protein forms M305I.
Identifiers: ClinVar variation 3845296 (VCV003845296.1).

ClinVar aggregate classification (germline): Uncertain significance (1 of 4 stars; one submission).

Conditions:
Hereditary cancer-predisposing syndrome. Also called: Hereditary neoplastic syndrome; Neoplastic Syndromes, Hereditary; Tumor predisposition; Hereditary Cancer Syndrome. Identifiers: Orphanet 140162, MedGen C0027672, MeSH D009386, MONDO:0015356.

Submission:

Ambry Genetics
Classification: Uncertain significance for Hereditary cancer-predisposing syndrome. Last evaluated: 2025-01-13. Review status: criteria provided, single submitter. Criteria: Ambry Variant Classification Scheme 2023. Collection method: clinical testing. Allele origin: germline.
Comment: The p.M305I variant (also known as c.915G>T), located in coding exon 9 of the EPCAM gene, results from a G to T substitution at nucleotide position 915. The methionine at codon 305 is replaced by isoleucine, an amino acid with highly similar properties. This amino acid position is conserved. In addition, the in silico prediction for this alteration is inconclusive. Based on the available evidence, the clinical significance of this variant remains unclear.